The following is an entry in ClinVar:

NM_003072.5(SMARCA4):c.443G>T (p.Gly148Val)

Gene: SMARCA4 (SWI/SNF related BAF chromatin remodeling complex subunit ATPase 4; plus strand). Cytogenetic location: 19p13.2.
Variant type: single nucleotide variant.
Coding change: c.443G>T on transcript NM_003072.5 (MANE Select); coding-DNA position 443, G replaced by T.
Protein change: p.Gly148Val; replaces glycine 148 with valine.
Molecular consequence: missense variant. On other transcripts: non-coding transcript variant (1).
Genome position (GRCh38, 1-based): chr19:10,986,276, G>T. VCF-style: chr19-10986276-G-T. GRCh37 (hg19) VCF-style: chr19-11096952-G-T.
Other names: c.443G>T, p.Gly148Val (NM_001128844.3, NM_001128845.2, NM_001128846.2 and 5 more transcripts); short protein forms G148V.
Identifiers: ClinVar variation 480551 (VCV000480551.15), dbSNP rs766946874, ClinGen allele CA9203509.
Genomic context (GRCh38, chr19:10,986,276, plus strand): 5'-AGCATGCCTCTAGTCCAGTTCCAGCCAGTGGCCCGTCTTCGGGGCCCCAGATGTCTTCCG[G>T]GCCAGGAGGTGCCCCGCTGGATGGTGCTGACCCCCAGGCCTTGGGGCAGCAGAACCGGGG-3'
Protein context (NP_003063.2, residues 138-158): GPSSGPQMSS[Gly148Val]PGGAPLDGAD

ClinVar aggregate classification (germline): Uncertain significance. Review status: criteria provided, multiple submitters, no conflicts (2 of 4 stars). 3 submissions from 3 submitters: Uncertain significance (3). Last evaluated 2025-12-08.

Conditions:
Rhabdoid tumor predisposition syndrome 2 (RTPS2). Identifiers: Orphanet 231108, Orphanet 69077, MedGen C2750074, MONDO:0013224, OMIM 613325.
Hereditary cancer-predisposing syndrome. Also called: Hereditary Cancer Syndrome; Neoplastic Syndromes, Hereditary; Tumor predisposition; Hereditary neoplastic syndrome. Identifiers: Orphanet 140162, MedGen C0027672, MeSH D009386, MONDO:0015356.
Intellectual disability, autosomal dominant 16 (CSS4). Also called: COFFIN-SIRIS SYNDROME 4. Identifiers: Orphanet 1465, MedGen C3553249, MONDO:0013821, OMIM 614609.

Allele frequency attached by ClinVar (database versions not stated): ExAC 0.00001; gnomAD exomes 0.00001.

Submissions (3):

Labcorp Genetics (formerly Invitae), Labcorp
Classification: Uncertain significance for Rhabdoid tumor predisposition syndrome 2. Last evaluated: 2025-12-08. Review status: criteria provided, single submitter. Criteria: Invitae Variant Classification Sherloc (09022015). Collection method: clinical testing. Allele origin: germline.
Comment: This sequence change replaces glycine, which is neutral and non-polar, with valine, which is neutral and non-polar, at codon 148 of the SMARCA4 protein (p.Gly148Val). This variant is present in population databases (rs766946874, gnomAD 0.002%). This variant has not been reported in the literature in individuals affected with SMARCA4-related conditions. ClinVar contains an entry for this variant (Variation ID: 480551). Invitae Evidence Modeling of protein sequence and biophysical properties (such as structural, functional, and spatial information, amino acid conservation, physicochemical variation, residue mobility, and thermodynamic stability) indicates that this missense variant is not expected to disrupt SMARCA4 protein function with a negative predictive value of 80%. In summary, the available evidence is currently insufficient to determine the role of this variant in disease. Therefore, it has been classified as a Variant of Uncertain Significance.

Ambry Genetics
Classification: Uncertain significance for Hereditary cancer-predisposing syndrome. Last evaluated: 2024-07-25. Review status: criteria provided, single submitter. Criteria: Ambry Variant Classification Scheme 2023. Collection method: clinical testing. Allele origin: germline.
Comment: The p.G148V variant (also known as c.443G>T), located in coding exon 3 of the SMARCA4 gene, results from a G to T substitution at nucleotide position 443. The glycine at codon 148 is replaced by valine, an amino acid with dissimilar properties. This amino acid position is well conserved in available vertebrate species. In addition, this alteration is predicted to be deleterious by in silico analysis. This variant has been detected in multiple individuals with no reported features of Cofin-Siris syndrome (Ambry internal data). Based on the supporting evidence, the association of this alteration with rhabdoid tumor predisposition syndrome is unknown; however, the association of this alteration with Coffin-Siris syndrome is unlikely.

Genome-Nilou Lab
Classification: Uncertain significance for Intellectual disability, autosomal dominant 16. Last evaluated: 2021-07-15. Review status: criteria provided, single submitter. Criteria: ACMG Guidelines, 2015. Collection method: clinical testing. Allele origin: germline. Affected: no.